The following is an entry in ClinVar:

ClinVar aggregate classification (germline): Uncertain significance (1 of 4 stars; one submission).

Conditions:
Baller-Gerold syndrome (BGS). Also called: CRANIOSYNOSTOSIS WITH RADIAL DEFECTS. Identifiers: Orphanet 1225, MedGen C0265308, MONDO:0009039, OMIM 218600.

Allele frequency attached by ClinVar (database versions not stated): gnomAD 0.00001; TOPMed 0.00001; ExAC 0.00002.
gnomAD v4.1: 3 of 1,578,590 alleles (0.00019%); highest among the groups gnomAD compares: African/African-American, 0.0013%; no homozygotes.

Submission:

Labcorp Genetics (formerly Invitae), Labcorp
Classification: Uncertain significance for Baller-Gerold syndrome. Last evaluated: 2025-08-07. Review status: criteria provided, single submitter. Criteria: Invitae Variant Classification Sherloc (09022015). Collection method: clinical testing. Allele origin: germline.
Comment: This sequence change replaces arginine, which is basic and polar, with lysine, which is basic and polar, at codon 844 of the RECQL4 protein (p.Arg844Lys). This variant is not present in population databases (gnomAD no frequency). This variant has not been reported in the literature in individuals affected with RECQL4-related conditions. ClinVar contains an entry for this variant (Variation ID: 459409). Invitae Evidence Modeling of protein sequence and biophysical properties (such as structural, functional, and spatial information, amino acid conservation, physicochemical variation, residue mobility, and thermodynamic stability) indicates that this missense variant is not expected to disrupt RECQL4 protein function with a negative predictive value of 80%. In summary, the available evidence is currently insufficient to determine the role of this variant in disease. Therefore, it has been classified as a Variant of Uncertain Significance.

NM_004260.4(RECQL4):c.2531G>A (p.Arg844Lys)

Gene: RECQL4 (RecQ like helicase 4; minus strand). Cytogenetic location: 8q24.3.
Variant type: single nucleotide variant.
Coding change: c.2531G>A on transcript NM_004260.4 (MANE Select); coding-DNA position 2531, G replaced by A.
Protein change: p.Arg844Lys; replaces arginine 844 with lysine.
Molecular consequence: missense variant.
Genome position (GRCh38, 1-based): chr8:144,513,071, C>T on the plus strand (G>A on the coding strand, the complement: RECQL4 is on the minus strand). VCF-style: chr8-144513071-C-T. GRCh37 (hg19) VCF-style: chr8-145738454-C-T.
Other names: short protein forms R844K.
Identifiers: ClinVar variation 459409 (VCV000459409.7), dbSNP rs780474951, ClinGen allele CA4948198.
Genomic context (GRCh38, chr8:144,513,071, plus strand): 5'-TGCTCCGAGGGCGGCCTGGTGCAGGTGCAGGTGCAGGCTGGGAACACGCGCTGTACCAGC[C>T]TCTTCACAGCCAGGAAGTCCGTGCTGTCGGCGTGCACATGTCTGCGCAGCTCTCGCAGGT-3'
Protein context (NP_004251.4, residues 834-854): ADSTDFLAVK[Arg844Lys]LVQRVFPACT